The following is an entry in ClinVar:

ClinVar aggregate classification (germline): Conflicting classifications of pathogenicity. Review status: criteria provided, conflicting classifications (1 of 4 stars). 6 submissions from 6 submitters: Uncertain significance (4); Likely benign (2). Last evaluated 2026-07-21.

Conditions:
Long chain 3-hydroxyacyl-CoA dehydrogenase deficiency. Also called: Deficiency of long-chain 3-hydroxyacyl-coenzyme A dehydrogenase; LCHAD Deficiency. Identifiers: Orphanet 5, MedGen C3711645, MONDO:0012173, OMIM 609016.
Mitochondrial trifunctional protein deficiency. Identifiers: Orphanet 746, MedGen C1969443, MONDO:0012172.
HADHA-related disorder. Also called: HADHA-related disorders; HADHA-related condition.
Mitochondrial trifunctional protein deficiency 1 (MTPD1). Identifiers: MedGen CN376812, MONDO:0958181, OMIM 609015.

Allele frequency attached by ClinVar (database versions not stated): gnomAD exomes 0.00005 and 0.00013; TOPMed 0.00009; gnomAD 0.00014 and 0.00020; ESP Exome Variant Server 0.00015; ExAC 0.00017; 1000 Genomes Project 0.00120; 1000 Genomes Project 30x 0.00156.
gnomAD v4.1: 121 of 1,483,198 alleles (0.0082%); highest among the groups gnomAD compares: East Asian, 0.081%; no homozygotes.

Submissions (6):

PreventionGenetics, part of Exact Sciences
Classification: Likely benign for HADHA-related condition. Last evaluated: 2026-07-21. Review status: criteria provided, single submitter. Criteria: ACMG Guidelines, 2015. Collection method: clinical testing. Allele origin: germline.
Comment: This variant is classified as likely benign based on ACMG/AMP sequence variant interpretation guidelines (Richards et al. 2015 PMID: 25741868, with internal and published modifications).

Labcorp Genetics (formerly Invitae), Labcorp
Classification: Likely benign for Mitochondrial trifunctional protein deficiency; Long chain 3-hydroxyacyl-CoA dehydrogenase deficiency. Last evaluated: 2026-02-02. Review status: criteria provided, single submitter. Criteria: Invitae Variant Classification Sherloc (09022015). Collection method: clinical testing. Allele origin: germline.

Fulgent Genetics
Classification: Uncertain significance for Mitochondrial trifunctional protein deficiency 1; Long chain 3-hydroxyacyl-CoA dehydrogenase deficiency. Last evaluated: 2024-03-11. Review status: criteria provided, single submitter. Criteria: ACMG Guidelines, 2015. Collection method: clinical testing. Allele origin: germline.

Mayo Clinic Laboratories, Mayo Clinic
Classification: Uncertain significance. Last evaluated: 2023-05-12. Review status: criteria provided, single submitter. Criteria: ACMG Guidelines, 2015. Collection method: clinical testing. Allele origin: germline. Observed: 4 variant alleles.
Comment: BS1

GeneDx
Classification: Uncertain significance. Last evaluated: 2020-02-25. Review status: criteria provided, single submitter. Criteria: GeneDx Variant Classification Process June 2021. Collection method: clinical testing. Allele origin: germline. Affected: yes.
Comment: Has not been previously published as pathogenic or benign to our knowledge; In silico analysis supports that this missense variant does not alter protein structure/function

Women's Health and Genetics/Laboratory Corporation of America, LabCorp
Classification: Uncertain significance. Last evaluated: 2017-08-09. Review status: criteria provided, single submitter. Criteria: LabCorp Variant Classification Summary - May 2015. Collection method: clinical testing. Allele origin: germline.
Comment: Variant summary: The HADHA c.1465A>G (p.Lys489Glu) variant involves the alteration of a conserved nucleotide. 3/4 in silico tools predict a benign outcome for this variant (SNPsandGO not captured due to low reliability index). This variant was found in 21/121388 control chromosomes at a frequency of 0.000173, which does not exceed the estimated maximal expected allele frequency of a pathogenic HADHA variant (0.0019365). The variant of interest has not, to our knowledge, been reported in affected individuals via publications and clinical diagnostic laboratories; nor evaluated for functional impact by in vivo/vitro studies. Because of the absence of clinical information and the lack of functional studies, the variant is classified as a variant of uncertain significance (VUS) until additional information becomes available.

NM_000182.5(HADHA):c.1465A>G (p.Lys489Glu)

Genes: GAREM2 (GRB2 associated regulator of MAPK1 subtype 2; plus strand), HADHA (hydroxyacyl-CoA dehydrogenase trifunctional multienzyme complex subunit alpha; minus strand). Cytogenetic location: 2p23.3.
Variant type: single nucleotide variant.
Coding change: c.1465A>G on transcript NM_000182.5 (MANE Select); coding-DNA position 1465, A replaced by G.
Protein change: p.Lys489Glu; replaces lysine 489 with glutamic acid.
Molecular consequence: missense variant.
Genome position (GRCh38, 1-based): chr2:26,197,705, T>C on the plus strand (A>G on the coding strand, the complement: HADHA is on the minus strand). VCF-style: chr2-26197705-T-C. GRCh37 (hg19) VCF-style: chr2-26420574-T-C.
Other names: p.Lys489Glu; short protein forms K489E.
Identifiers: ClinVar variation 495725 (VCV000495725.17), dbSNP rs145422395, ClinGen allele CA1559576.